The following is an entry in ClinVar:

NM_003079.5(SMARCE1):c.770G>A (p.Arg257Lys)

Gene: SMARCE1 (SWI/SNF related BAF chromatin remodeling complex subunit E1; minus strand). Cytogenetic location: 17q21.2.
Variant type: single nucleotide variant.
Coding change: c.770G>A on transcript NM_003079.5 (MANE Select); coding-DNA position 770, G replaced by A.
Protein change: p.Arg257Lys; replaces arginine 257 with lysine.
Molecular consequence: missense variant.
Genome position (GRCh38, 1-based): chr17:40,631,638, C>T on the plus strand (G>A on the coding strand, the complement: SMARCE1 is on the minus strand). VCF-style: chr17-40631638-C-T. GRCh37 (hg19) VCF-style: chr17-38787890-C-T.
Other names: short protein forms R257K.
Identifiers: ClinVar variation 3223101 (VCV003223101.3), dbSNP rs2508597350, ClinGen allele CA399364367.

ClinVar aggregate classification (germline): Uncertain significance. Review status: criteria provided, multiple submitters, no conflicts (2 of 4 stars). 2 submissions from 2 submitters: Uncertain significance (2). Last evaluated 2025-01-23.

Conditions:
Familial meningioma. Also called: Meningioma, familial, susceptibility to. Identifiers: Orphanet 263662, MedGen C3551915, MONDO:0011789, OMIM 607174.
Hereditary cancer-predisposing syndrome. Also called: Tumor predisposition; Hereditary neoplastic syndrome; Hereditary Cancer Syndrome; Neoplastic Syndromes, Hereditary. Identifiers: Orphanet 140162, MedGen C0027672, MeSH D009386, MONDO:0015356.

Submissions (2):

Labcorp Genetics (formerly Invitae), Labcorp
Classification: Uncertain significance for Familial meningioma. Last evaluated: 2025-01-23. Review status: criteria provided, single submitter. Criteria: Invitae Variant Classification Sherloc (09022015). Collection method: clinical testing. Allele origin: germline.
Comment: This sequence change replaces arginine, which is basic and polar, with lysine, which is basic and polar, at codon 257 of the SMARCE1 protein (p.Arg257Lys). This variant is not present in population databases (gnomAD no frequency). This variant has not been reported in the literature in individuals affected with SMARCE1-related conditions. ClinVar contains an entry for this variant (Variation ID: 3223101). Invitae Evidence Modeling of protein sequence and biophysical properties (such as structural, functional, and spatial information, amino acid conservation, physicochemical variation, residue mobility, and thermodynamic stability) indicates that this missense variant is not expected to disrupt SMARCE1 protein function with a negative predictive value of 80%. In summary, the available evidence is currently insufficient to determine the role of this variant in disease. Therefore, it has been classified as a Variant of Uncertain Significance.

Ambry Genetics
Classification: Uncertain significance for Hereditary cancer-predisposing syndrome. Last evaluated: 2024-02-23. Review status: criteria provided, single submitter. Criteria: Ambry Variant Classification Scheme 2023. Collection method: clinical testing. Allele origin: germline.
Comment: The p.R257K variant (also known as c.770G>A), located in coding exon 8 of the SMARCE1 gene, results from a G to A substitution at nucleotide position 770. The arginine at codon 257 is replaced by lysine, an amino acid with highly similar properties. This amino acid position is highly conserved in available vertebrate species. In addition, the in silico prediction for this alteration is inconclusive. Based on the available evidence, the clinical significance of this alteration remains unclear.